The following is an entry in ClinVar:

ClinVar aggregate classification (germline): Uncertain significance (1 of 4 stars; one submission).

Conditions:
RYR1-related disorder. Also called: RYR1-related condition; RYR1-related disorders. Identifiers: MedGen CN239331.

Submission:

Labcorp Genetics (formerly Invitae), Labcorp
Classification: Uncertain significance for RYR1-related disorder. Last evaluated: 2021-10-24. Review status: criteria provided, single submitter. Criteria: Invitae Variant Classification Sherloc (09022015). Collection method: clinical testing. Allele origin: germline.
Comment: In summary, the available evidence is currently insufficient to determine the role of this variant in disease. Therefore, it has been classified as a Variant of Uncertain Significance. Advanced modeling of protein sequence and biophysical properties (such as structural, functional, and spatial information, amino acid conservation, physicochemical variation, residue mobility, and thermodynamic stability) performed at Invitae indicates that this missense variant is not expected to disrupt RYR1 protein function. This variant has not been reported in the literature in individuals affected with RYR1-related conditions. This variant is not present in population databases (ExAC no frequency). This sequence change replaces serine with threonine at codon 3963 of the RYR1 protein (p.Ser3963Thr). The serine residue is moderately conserved and there is a small physicochemical difference between serine and threonine.

NM_000540.3(RYR1):c.11888G>C (p.Ser3963Thr)

Gene: RYR1 (ryanodine receptor 1; plus strand). Cytogenetic location: 19q13.2.
Variant type: single nucleotide variant.
Coding change: c.11888G>C on transcript NM_000540.3 (MANE Select); coding-DNA position 11888, G replaced by C.
Protein change: p.Ser3963Thr; replaces serine 3963 with threonine.
Molecular consequence: missense variant.
Genome position (GRCh38, 1-based): chr19:38,543,641, G>C. VCF-style: chr19-38543641-G-C. GRCh37 (hg19) VCF-style: chr19-39034281-G-C.
Other names: c.11873G>C, p.Ser3958Thr (NM_001042723.2); short protein forms S3963T, S3958T.
Identifiers: ClinVar variation 1389029 (VCV001389029.6), dbSNP rs2145775695, ClinGen allele CA405662382.
Genomic context (GRCh38, chr19:38,543,641, plus strand): 5'-AAGAGCAGGGCAAGAGGAACTTCTCCAAAGCCATGTCGGTGGCTAAGCAGGTGTTCAACA[G>C]CCTCACTGAGTACATCCAGGTAGGGCGCTCCCCCTGGGGCGGGAGTGGGAAGGGAGGGGG-3'
Protein context (NP_000531.2, residues 3953-3973): AMSVAKQVFN[Ser3963Thr]LTEYIQGPCT